The following is an entry in ClinVar:

NC_012920.1(MT-RNR1):m.1290C>T

Gene: MT-RNR1 (mitochondrially encoded 12S RNA; plus strand).
Variant type: single nucleotide variant.
Genome position: chrM-1290-C-T.
Identifiers: ClinVar variation 505197 (VCV000505197.4), dbSNP rs1556422517, ClinGen allele CA658799934.

ClinVar aggregate classification (germline): Likely benign (1 of 4 stars; one submission).

Submission:

Laboratory for Molecular Medicine, Mass General Brigham Personalized Medicine
Classification: Likely benign. Last evaluated: 2016-07-05. Review status: criteria provided, single submitter. Criteria: LMM Criteria. Collection method: clinical testing. Allele origin: germline. Observed: 1 variant allele.
Comment: m.1290C>T in MTRNR1: This variant is not expected to have clinical significance because it has not been reported in individuals with hearing loss and it has bee n identified in 9/30589 human mitochondrial DNA sequences with haplogroup-specif ic frequencies ranging from 0.6% to 8% in at least 3 haplogroups primarily of Eu ropean descent.

Literature cited by the submitters: PubMed 18851951.